The following is an entry in ClinVar:

NM_001364171.2(ODAD1):c.584G>A (p.Arg195His)

Gene: ODAD1 (outer dynein arm docking complex subunit 1; minus strand). Cytogenetic location: 19q13.33.
Variant type: single nucleotide variant.
Coding change: c.584G>A on transcript NM_001364171.2 (MANE Select); coding-DNA position 584, G replaced by A.
Protein change: p.Arg195His; replaces arginine 195 with histidine.
Molecular consequence: missense variant.
Genome position (GRCh38, 1-based): chr19:48,311,566, C>T on the plus strand (G>A on the coding strand, the complement: ODAD1 is on the minus strand). VCF-style: chr19-48311566-C-T. GRCh37 (hg19) VCF-style: chr19-48814823-C-T.
Other names: c.473G>A, p.Arg158His (NM_144577.4); c.473G>A (NM_144577.3); short protein forms R158H, R195H.
Identifiers: ClinVar variation 1682886 (VCV001682886.9), dbSNP rs367890715, ClinGen allele CA9549024.
Genomic context (GRCh38, chr19:48,311,566, plus strand): 5'-CTGCGCAGGGGTCCCTGTCTCCTCCCCTGGATTTCAGGGCCACTGACCTTCTTCAGCTTG[C>T]GGTCCACGTTCAGATAGCGGTTCCTGTCGATCCGCAGCAGATCCAGCTCCTCCCGCAGGG-3'
Protein context (NP_001351100.1, residues 185-205): IDRNRYLNVD[Arg195His]KLKKEIHHLH

ClinVar aggregate classification (germline): Uncertain significance. Review status: criteria provided, multiple submitters, no conflicts (2 of 4 stars). 2 submissions from 2 submitters: Uncertain significance (2). Last evaluated 2024-02-09.

Conditions:
Primary ciliary dyskinesia. Also called: Ciliary dyskinesia. Identifiers: Orphanet 244, MedGen C0008780, MONDO:0016575, HP:0012265.

Allele frequency attached by ClinVar (database versions not stated): gnomAD exomes 0.00003 and 0.00004; TOPMed 0.00003; gnomAD 0.00004 and 0.00005; ExAC 0.00009; ESP Exome Variant Server 0.00022.

Submissions (2):

Ambry Genetics
Classification: Uncertain significance for Primary ciliary dyskinesia. Last evaluated: 2024-02-09. Review status: criteria provided, single submitter. Criteria: Ambry Variant Classification Scheme 2023. Collection method: clinical testing. Allele origin: germline.
Comment: The p.R158H variant (also known as c.473G>A), located in coding exon 4 of the CCDC114 gene, results from a G to A substitution at nucleotide position 473. The arginine at codon 158 is replaced by histidine, an amino acid with highly similar properties. This amino acid position is conserved. In addition, this alteration is predicted to be tolerated by in silico analysis. Based on the available evidence, the clinical significance of this alteration remains unclear.

Labcorp Genetics (formerly Invitae), Labcorp
Classification: Uncertain significance for Primary ciliary dyskinesia. Last evaluated: 2021-07-22. Review status: criteria provided, single submitter. Criteria: Invitae Variant Classification Sherloc (09022015). Collection method: clinical testing. Allele origin: germline.
Comment: In summary, the available evidence is currently insufficient to determine the role of this variant in disease. Therefore, it has been classified as a Variant of Uncertain Significance. Algorithms developed to predict the effect of missense changes on protein structure and function output the following: SIFT: "Deleterious"; PolyPhen-2: "Benign"; Align-GVGD: "Class C0". The histidine amino acid residue is found in multiple mammalian species, which suggests that this missense change does not adversely affect protein function. This variant has not been reported in the literature in individuals affected with CCDC114-related conditions. This variant is present in population databases (rs367890715, ExAC 0.08%). This sequence change replaces arginine with histidine at codon 158 of the CCDC114 protein (p.Arg158His). The arginine residue is moderately conserved and there is a small physicochemical difference between arginine and histidine.